The following is an entry in ClinVar:

ClinVar aggregate classification (germline): Uncertain significance (1 of 4 stars; one submission).

Submission:

Women's Health and Genetics/Laboratory Corporation of America, LabCorp
Classification: Uncertain significance. Last evaluated: 2024-09-16. Review status: criteria provided, single submitter. Criteria: LabCorp Variant Classification Summary - May 2015. Collection method: clinical testing. Allele origin: germline.
Comment: Variant summary: GP1BA c.1357_1374del18 (p.Thr453_Ile458del) results in an in-frame deletion that is predicted to remove six amino acids from the encoded protein. The variant was absent in 172086 control chromosomes. The available data on variant occurrences in the general population are insufficient to allow any conclusion about variant significance. To our knowledge, no occurrence of c.1357_1374del18 in individuals affected with Bernard-Soulier Syndrome, Type A2, Autosomal Dominant and no experimental evidence demonstrating its impact on protein function have been reported. No submitters have cited clinical-significance assessments for this variant to ClinVar. Based on the evidence outlined above, the variant was classified as uncertain significance.

NM_000173.7(GP1BA):c.1357_1374del (p.Thr453_Ile458del)

Gene: GP1BA (glycoprotein Ib platelet subunit alpha; plus strand). Cytogenetic location: 17p13.2.
Variant type: Deletion.
Coding change: c.1357_1374del on transcript NM_000173.7 (MANE Select); coding-DNA positions 1357 to 1374, 18 bases deleted (ACCCCAATCCCGACCATC).
Protein change: p.Thr453_Ile458del.
Genome position (GRCh38, 1-based): chr17:4,933,961-4,933,978, ACCCCAATCCCGACCATC deleted; deleting any 18 consecutive bases within chr17:4,933,960-4,933,978 gives the same sequence; the c. name uses the placement nearest the transcript's 3' end. VCF-style (leftmost placement, unchanged base first): chr17-4933959-CCACCCCAATCCCGACCAT-C. GRCh37 (hg19) VCF-style: chr17-4837254-CCACCCCAATCCCGACCAT-C.
Other names: c.1357_1374del18 (NM_000173.7).
Identifiers: ClinVar variation 3374765 (VCV003374765.1).